The following is an entry in ClinVar:

NM_001330260.2(SCN8A):c.1687A>G (p.Ser563Gly)

Gene: SCN8A (sodium voltage-gated channel alpha subunit 8; plus strand). Cytogenetic location: 12q13.13.
Variant type: single nucleotide variant.
Coding change: c.1687A>G on transcript NM_001330260.2 (MANE Select); coding-DNA position 1687, A replaced by G.
Protein change: p.Ser563Gly; replaces serine 563 with glycine.
Molecular consequence: missense variant.
Genome position (GRCh38, 1-based): chr12:51,721,597, A>G. VCF-style: chr12-51721597-A-G. GRCh37 (hg19) VCF-style: chr12-52115381-A-G.
Other names: c.1687A>G, p.Ser563Gly (NM_001177984.3, NM_001369788.1, NM_014191.4); short protein forms S563G.
Identifiers: ClinVar variation 1421482 (VCV001421482.7), dbSNP rs1565899709, ClinGen allele CA385229368.

ClinVar aggregate classification (germline): Uncertain significance (1 of 4 stars; one submission).

Conditions:
Early-infantile DEE. Also called: Ohtahara syndrome; Early infantile epileptic encephalopathy with suppression bursts; Early infantile epileptic encephalopathy. Identifiers: Orphanet 1934, MedGen C0393706, MONDO:0800491.

Submission:

Labcorp Genetics (formerly Invitae), Labcorp
Classification: Uncertain significance for Early-infantile DEE. Last evaluated: 2022-06-13. Review status: criteria provided, single submitter. Criteria: Invitae Variant Classification Sherloc (09022015). Collection method: clinical testing. Allele origin: germline.
Comment: In summary, the available evidence is currently insufficient to determine the role of this variant in disease. Therefore, it has been classified as a Variant of Uncertain Significance. Algorithms developed to predict the effect of missense changes on protein structure and function are either unavailable or do not agree on the potential impact of this missense change (SIFT: "Deleterious"; PolyPhen-2: "Benign"; Align-GVGD: "Class C0"). This variant has not been reported in the literature in individuals affected with SCN8A-related conditions. This variant is not present in population databases (gnomAD no frequency). This sequence change replaces serine, which is neutral and polar, with glycine, which is neutral and non-polar, at codon 563 of the SCN8A protein (p.Ser563Gly).